The following is an entry in ClinVar:

ClinVar aggregate classification (germline): Uncertain significance. Review status: criteria provided, multiple submitters, no conflicts (2 of 4 stars). 2 submissions from 2 submitters: Uncertain significance (2). Last evaluated 2025-05-15.

Conditions:
Hereditary cancer-predisposing syndrome. Also called: Tumor predisposition; Hereditary Cancer Syndrome; Neoplastic Syndromes, Hereditary; Hereditary neoplastic syndrome. Identifiers: Orphanet 140162, MedGen C0027672, MeSH D009386, MONDO:0015356.
DICER1-related tumor predisposition. Also called: DICER1 syndrome; DICER1-related pleuropulmonary blastoma cancer predisposition syndrome. Identifiers: Orphanet 284343, MedGen C3839822, MONDO:0100216.

gnomAD v4.1: 1 of 1,614,034 alleles (0.000062%); highest among the groups gnomAD compares: Non-Finnish European, 0.000085%; no homozygotes.

Submissions (2):

Ambry Genetics
Classification: Uncertain significance for Hereditary cancer-predisposing syndrome. Last evaluated: 2025-05-15. Review status: criteria provided, single submitter. Criteria: Ambry Variant Classification Scheme 2023. Collection method: clinical testing. Allele origin: germline.
Comment: The p.A1185S variant (also known as c.3553G>T), located in coding exon 20 of the DICER1 gene, results from a G to T substitution at nucleotide position 3553. The alanine at codon 1185 is replaced by serine, an amino acid with similar properties. This amino acid position is conserved. In addition, this alteration is predicted to be tolerated by in silico analysis. Based on the available evidence, the clinical significance of this variant remains unclear.

Labcorp Genetics (formerly Invitae), Labcorp
Classification: Uncertain significance for DICER1-related tumor predisposition. Last evaluated: 2023-12-08. Review status: criteria provided, single submitter. Criteria: Invitae Variant Classification Sherloc (09022015). Collection method: clinical testing. Allele origin: germline.
Comment: This sequence change replaces alanine, which is neutral and non-polar, with serine, which is neutral and polar, at codon 1185 of the DICER1 protein (p.Ala1185Ser). This variant is not present in population databases (gnomAD no frequency). This variant has not been reported in the literature in individuals affected with DICER1-related conditions. Advanced modeling of protein sequence and biophysical properties (such as structural, functional, and spatial information, amino acid conservation, physicochemical variation, residue mobility, and thermodynamic stability) performed at Invitae indicates that this missense variant is not expected to disrupt DICER1 protein function with a negative predictive value of 80%. In summary, the available evidence is currently insufficient to determine the role of this variant in disease. Therefore, it has been classified as a Variant of Uncertain Significance.

NM_177438.3(DICER1):c.3553G>T (p.Ala1185Ser)

Gene: DICER1 (dicer 1, ribonuclease III; minus strand). Cytogenetic location: 14q32.13.
Variant type: single nucleotide variant.
Coding change: c.3553G>T on transcript NM_177438.3 (MANE Select); coding-DNA position 3553, G replaced by T.
Protein change: p.Ala1185Ser; replaces alanine 1185 with serine.
Molecular consequence: missense variant. On other transcripts: non-coding transcript variant (6).
Genome position (GRCh38, 1-based): chr14:95,103,843, C>A on the plus strand (G>T on the coding strand, the complement: DICER1 is on the minus strand). VCF-style: chr14-95103843-C-A. GRCh37 (hg19) VCF-style: chr14-95570180-C-A.
Other names: c.3553G>T, p.Ala1185Ser (NM_001195573.1, NM_001271282.3, NM_001291628.2 and 13 more transcripts); c.3271G>T, p.Ala1091Ser (NM_001395686.1); c.3148G>T, p.Ala1050Ser (NM_001395687.1, NM_001395688.1, NM_001395689.1 and 2 more transcripts); c.2986G>T, p.Ala996Ser (NM_001395691.1); c.1870G>T, p.Ala624Ser (NM_001395697.1); short protein forms A1185S, A996S, A1050S, A1091S, A624S.
Identifiers: ClinVar variation 2955538 (VCV002955538.4), dbSNP rs150514959, ClinGen allele CA390874955.